The following is an entry in ClinVar:

NM_020184.4(CNNM4):c.284A>G (p.Glu95Gly)

Gene: CNNM4 (cyclin and CBS domain divalent metal cation transport mediator 4; plus strand). Cytogenetic location: 2q11.2.
Variant type: single nucleotide variant.
Coding change: c.284A>G on transcript NM_020184.4 (MANE Select); coding-DNA position 284, A replaced by G.
Protein change: p.Glu95Gly; replaces glutamic acid 95 with glycine.
Molecular consequence: missense variant.
Genome position (GRCh38, 1-based): chr2:96,761,283, A>G. VCF-style: chr2-96761283-A-G. GRCh37 (hg19) VCF-style: chr2-97427020-A-G.
Other names: short protein forms E95G.
Identifiers: ClinVar variation 1372795 (VCV001372795.6), dbSNP rs2078758878, ClinGen allele CA347712782.

ClinVar aggregate classification (germline): Uncertain significance (1 of 4 stars; one submission).

Allele frequency attached by ClinVar (database versions not stated): TOPMed below 0.00001; gnomAD 0.00001.
gnomAD v4.1: 2 of 1,613,788 alleles (0.00012%); highest among the groups gnomAD compares: African/African-American, 0.0027%; no homozygotes.

Submission:

Labcorp Genetics (formerly Invitae), Labcorp
Classification: Uncertain significance. Last evaluated: 2024-10-24. Review status: criteria provided, single submitter. Criteria: Invitae Variant Classification Sherloc (09022015). Collection method: clinical testing. Allele origin: germline.
Comment: This sequence change replaces glutamic acid, which is acidic and polar, with glycine, which is neutral and non-polar, at codon 95 of the CNNM4 protein (p.Glu95Gly). This variant is not present in population databases (gnomAD no frequency). This variant has not been reported in the literature in individuals affected with CNNM4-related conditions. ClinVar contains an entry for this variant (Variation ID: 1372795). Invitae Evidence Modeling of protein sequence and biophysical properties (such as structural, functional, and spatial information, amino acid conservation, physicochemical variation, residue mobility, and thermodynamic stability) indicates that this missense variant is not expected to disrupt CNNM4 protein function with a negative predictive value of 80%. In summary, the available evidence is currently insufficient to determine the role of this variant in disease. Therefore, it has been classified as a Variant of Uncertain Significance.